The following is an entry in ClinVar:

NM_002661.5(PLCG2):c.3312G>A (p.Val1104=)

Gene: PLCG2 (phospholipase C gamma 2; plus strand). Cytogenetic location: 16q23.3.
Variant type: single nucleotide variant.
Coding change: c.3312G>A on transcript NM_002661.5 (MANE Select); coding-DNA position 3312, G replaced by A.
Protein change: p.Val1104=; no amino-acid change (valine 1104 retained).
Molecular consequence: synonymous variant.
Genome position (GRCh38, 1-based): chr16:81,938,914, G>A. VCF-style: chr16-81938914-G-A. GRCh37 (hg19) VCF-style: chr16-81972519-G-A.
Identifiers: ClinVar variation 837904 (VCV000837904.11), dbSNP rs375577536, ClinGen allele CA8194663.

ClinVar aggregate classification (germline): Conflicting classifications of pathogenicity. Review status: criteria provided, conflicting classifications (1 of 4 stars). 2 submissions from 2 submitters: Uncertain significance (1); Likely benign (1). Last evaluated 2026-04-01.

Conditions:
Familial cold autoinflammatory syndrome 3 (FCAS3). Also called: FAMILIAL ATYPICAL COLD URTICARIA; ANTIBODY DEFICIENCY AND IMMUNE DYSREGULATION, PLCG2-ASSOCIATED. Identifiers: Orphanet 300359, MedGen C3280914, MONDO:0013766, OMIM 614468.

Allele frequency attached by ClinVar (database versions not stated): gnomAD exomes 0.00001; ExAC 0.00002; gnomAD 0.00014 and 0.00016; TOPMed 0.00015; ESP Exome Variant Server 0.00016.
gnomAD v4.1: 44 of 1,576,628 alleles (0.0028%); highest among the groups gnomAD compares: African/African-American, 0.045%; no homozygotes.

Submissions (2):

CeGaT Center for Human Genetics Tuebingen
Classification: Likely benign. Last evaluated: 2026-04-01. Review status: criteria provided, single submitter. Criteria: CeGaT Center For Human Genetics Tuebingen Variant Classification Criteria Version 2. Collection method: clinical testing. Allele origin: germline. Affected: yes. Observed: 1 variant allele.
Comment: PLCG2: BP4, BP7

Labcorp Genetics (formerly Invitae), Labcorp
Classification: Uncertain significance for Familial cold autoinflammatory syndrome 3. Last evaluated: 2025-05-30. Review status: criteria provided, single submitter. Criteria: Invitae Variant Classification Sherloc (09022015). Collection method: clinical testing. Allele origin: germline.
Comment: This sequence change affects codon 1104 of the PLCG2 mRNA. It is a 'silent' change, meaning that it does not change the encoded amino acid sequence of the PLCG2 protein. It affects a nucleotide within the consensus splice site. This variant is present in population databases (rs375577536, gnomAD 0.03%). This variant has not been reported in the literature in individuals affected with PLCG2-related conditions. ClinVar contains an entry for this variant (Variation ID: 837904). Algorithms developed to predict the effect of sequence changes on RNA splicing suggest that this variant may create or strengthen a splice site. In summary, the available evidence is currently insufficient to determine the role of this variant in disease. Therefore, it has been classified as a Variant of Uncertain Significance.